The following is an entry in ClinVar:

NM_001401501.2(MUC16):c.41769+7A>C

Gene: MUC16 (mucin 16, cell surface associated; minus strand). Cytogenetic location: 19p13.2.
Variant type: single nucleotide variant.
Coding change: c.41769+7A>C on transcript NM_001401501.2 (MANE Select); 7 bases into the intron after coding-DNA position 41769, A replaced by C.
Molecular consequence: intron variant.
Genome position (GRCh38, 1-based): chr19:8,883,459, T>G on the plus strand (A>C on the coding strand, the complement: MUC16 is on the minus strand). VCF-style: chr19-8883459-T-G. GRCh37 (hg19) VCF-style: chr19-8994135-T-G.
Other names: c.42195+7A>C (NM_001414686.1); c.41649+7A>C (NM_001414687.1); c.41543+7A>C (NM_024690.2).
Identifiers: ClinVar variation 3056305 (VCV003056305.2), dbSNP rs1464889404, ClinGen allele CA631395392.

ClinVar aggregate classification (germline): Likely benign (0 of 4 stars; one submission).

Conditions:
MUC16-related disorder. Also called: MUC16-related condition.

Submission:

PreventionGenetics, part of Exact Sciences
Classification: Likely benign for MUC16-related condition. Last evaluated: 2019-10-28. Review status: no assertion criteria provided. Collection method: clinical testing. Allele origin: germline.
Comment: This variant is classified as likely benign based on ACMG/AMP sequence variant interpretation guidelines (Richards et al. 2015 PMID: 25741868, with internal and published modifications).